The following is an entry in ClinVar:

ClinVar aggregate classification (germline): Uncertain significance (1 of 4 stars; one submission).

Conditions:
Autosomal recessive limb-girdle muscular dystrophy type 2J (LGMDR10). Also called: Limb-girdle muscular dystrophy, type 2J; MUSCULAR DYSTROPHY, LIMB-GIRDLE, AUTOSOMAL RECESSIVE 10. Identifiers: Orphanet 140922, MedGen C1837342, MONDO:0012127, OMIM 608807.
Dilated cardiomyopathy 1G (CMD1G). Identifiers: Orphanet 154, MedGen C1858763, MONDO:0011400, OMIM 604145.

Allele frequency attached by ClinVar (database versions not stated): gnomAD exomes below 0.00001 and 0.00001; ExAC 0.00001; gnomAD 0.00001; TOPMed 0.00001.
gnomAD v4.1: 9 of 1,613,492 alleles (0.00056%); highest among the groups gnomAD compares: Non-Finnish European, 0.00076%; no homozygotes.

Submission:

Labcorp Genetics (formerly Invitae), Labcorp
Classification: Uncertain significance for Dilated cardiomyopathy 1G; Autosomal recessive limb-girdle muscular dystrophy type 2J. Last evaluated: 2018-05-17. Review status: criteria provided, single submitter. Criteria: Invitae Variant Classification Sherloc (09022015). Collection method: clinical testing. Allele origin: germline.
Comment: This sequence change affects codon 32154 of the TTN mRNA. It is a 'silent' change, meaning that it does not change the encoded amino acid sequence of the TTN protein. This variant is present in population databases (rs776263585, ExAC 0.002%) but has not been reported in the literature in individuals with a TTN-related disease. ClinVar contains an entry for this variant (Variation ID:¬†467688). This variant identified in the TTN gene is located in the A band of the resulting protein (PMID: 25589632). Variants in this region may be relevant for cardiac or neuromuscular disorders (PMID: 25589632, 23975875). Algorithms developed to predict the effect of sequence changes on RNA splicing suggest that this variant may alter RNA splicing, but this prediction has not been confirmed by published transcriptional studies. In summary, this is a rare silent change with uncertain impact on splicing. It has been classified as a Variant of Uncertain Significance.

Literature cited by the submitters: PubMed 25589632; PubMed 23975875.

NM_001267550.2(TTN):c.96462A>G (p.Thr32154=)

Genes: TTN (titin; minus strand), TTN-AS1 (TTN antisense RNA 1; plus strand), LOC126806421 (CDK7 strongly-dependent group 2 enhancer GRCh37_chr2:179407630-179408829; plus strand). Cytogenetic location: 2q31.2.
Variant type: single nucleotide variant.
Coding change: c.96462A>G on transcript NM_001267550.2 (MANE Select); coding-DNA position 96462, A replaced by G.
Protein change: p.Thr32154=; no amino-acid change (threonine 32154 retained).
Molecular consequence: synonymous variant.
Genome position (GRCh38, 1-based): chr2:178,543,511, T>C on the plus strand (A>G on the coding strand, the complement: TTN is on the minus strand). VCF-style: chr2-178543511-T-C. GRCh37 (hg19) VCF-style: chr2-179408238-T-C.
Other names: c.91539A>G, p.Thr30513= (NM_001256850.1); c.69267A>G, p.Thr23089= (NM_003319.4); c.88758A>G, p.Thr29586= (NM_133378.4); c.69642A>G, p.Thr23214= (NM_133432.3); c.69843A>G, p.Thr23281= (NM_133437.4).
Identifiers: ClinVar variation 467688 (VCV000467688.3), dbSNP rs776263585, ClinGen allele CA1986748.